The following is an entry in ClinVar:

ClinVar aggregate classification (germline): Uncertain significance. Review status: criteria provided, multiple submitters, no conflicts (2 of 4 stars). 2 submissions from 2 submitters: Uncertain significance (2). Last evaluated 2023-11-27.

Conditions:
Dyskeratosis congenita, autosomal dominant 2. Identifiers: MedGen C3151443, MONDO:0013521, OMIM 613989.
Idiopathic Pulmonary Fibrosis. Also called: Idiopathic fibrosing alveolitis, chronic form; idiopathic fibrosing alveolitis. Identifiers: Orphanet 2032, MedGen C1800706, MeSH D054990, MONDO:0800504.
Dyskeratosis congenita. Identifiers: Orphanet 1775, MedGen C0265965, MONDO:0015780.

Allele frequency attached by ClinVar (database versions not stated): gnomAD exomes below 0.00001; TOPMed below 0.00001.
gnomAD v4.1: 1 of 1,543,404 alleles (0.000065%); highest among the groups gnomAD compares: South Asian, 0.0012%; no homozygotes.

Submissions (2):

Labcorp Genetics (formerly Invitae), Labcorp
Classification: Uncertain significance for Dyskeratosis congenita, autosomal dominant 2; Idiopathic Pulmonary Fibrosis. Last evaluated: 2023-11-27. Review status: criteria provided, single submitter. Criteria: Invitae Variant Classification Sherloc (09022015). Collection method: clinical testing. Allele origin: germline.
Comment: This sequence change replaces proline, which is neutral and non-polar, with serine, which is neutral and polar, at codon 320 of the TERT protein (p.Pro320Ser). This variant is not present in population databases (gnomAD no frequency). This variant has not been reported in the literature in individuals affected with TERT-related conditions. ClinVar contains an entry for this variant (Variation ID: 1767471). Advanced modeling of protein sequence and biophysical properties (such as structural, functional, and spatial information, amino acid conservation, physicochemical variation, residue mobility, and thermodynamic stability) has been performed at Invitae for this missense variant, however the output from this modeling did not meet the statistical confidence thresholds required to predict the impact of this variant on TERT protein function. In summary, the available evidence is currently insufficient to determine the role of this variant in disease. Therefore, it has been classified as a Variant of Uncertain Significance.

Ambry Genetics
Classification: Uncertain significance for Dyskeratosis congenita. Last evaluated: 2022-04-22. Review status: criteria provided, single submitter. Criteria: Ambry Variant Classification Scheme 2023. Collection method: clinical testing. Allele origin: germline.
Comment: The p.P320S variant (also known as c.958C>T), located in coding exon 2 of the TERT gene, results from a C to T substitution at nucleotide position 958. The proline at codon 320 is replaced by serine, an amino acid with similar properties. This amino acid position is conserved. In addition, this alteration is predicted to be tolerated by in silico analysis. Since supporting evidence is limited at this time, the clinical significance of this alteration remains unclear.

NM_198253.3(TERT):c.958C>T (p.Pro320Ser)

Gene: TERT (telomerase reverse transcriptase; minus strand). Cytogenetic location: 5p15.33.
Variant type: single nucleotide variant.
Coding change: c.958C>T on transcript NM_198253.3 (MANE Select); coding-DNA position 958, C replaced by T.
Protein change: p.Pro320Ser; replaces proline 320 with serine.
Molecular consequence: missense variant. On other transcripts: non-coding transcript variant (2).
Genome position (GRCh38, 1-based): chr5:1,293,928, G>A on the plus strand (C>T on the coding strand, the complement: TERT is on the minus strand). VCF-style: chr5-1293928-G-A. GRCh37 (hg19) VCF-style: chr5-1294043-G-A.
Other names: c.958C>T, p.Pro320Ser (NM_001193376.3, NM_003219.1); short protein forms P320S.
Identifiers: ClinVar variation 1767471 (VCV001767471.7), dbSNP rs1368428332, ClinGen allele CA359056074.
Genomic context (GRCh38, chr5:1,293,928, plus strand): 5'-GCTCCTTGTCGCCTGAGGAGTAGAGGAAGTGCTTGGTCTCGGCGTACACCGGGGGACAAG[G>A]CGTGTCCCAGGGACGTGGTGGCCGCGATGTGGATGGGGGGCCCGCGTGGTGCTGGCGGCC-3'
Protein context (NP_937983.2, residues 310-330): TSRPPRPWDT[Pro320Ser]CPPVYAETKH